The following is an entry in ClinVar:

NM_020312.4(COQ9):c.748A>G (p.Ile250Val)

Gene: COQ9 (coenzyme Q9; plus strand). Cytogenetic location: 16q21.
Variant type: single nucleotide variant.
Coding change: c.748A>G on transcript NM_020312.4 (MANE Select); coding-DNA position 748, A replaced by G.
Protein change: p.Ile250Val; replaces isoleucine 250 with valine.
Molecular consequence: missense variant.
Genome position (GRCh38, 1-based): chr16:57,459,601, A>G. VCF-style: chr16-57459601-A-G. GRCh37 (hg19) VCF-style: chr16-57493513-A-G.
Other names: short protein forms I250V.
Identifiers: ClinVar variation 2007921 (VCV002007921.3), dbSNP rs1301352563, ClinGen allele CA396030068.

ClinVar aggregate classification (germline): Uncertain significance (1 of 4 stars; one submission).

Allele frequency attached by ClinVar (database versions not stated): gnomAD exomes 0.00001.

Submission:

Labcorp Genetics (formerly Invitae), Labcorp
Classification: Uncertain significance. Last evaluated: 2022-06-18. Review status: criteria provided, single submitter. Criteria: Invitae Variant Classification Sherloc (09022015). Collection method: clinical testing. Allele origin: germline.
Comment: In summary, the available evidence is currently insufficient to determine the role of this variant in disease. Therefore, it has been classified as a Variant of Uncertain Significance. Algorithms developed to predict the effect of missense changes on protein structure and function output the following: SIFT: "Tolerated"; PolyPhen-2: "Benign"; Align-GVGD: "Class C0". The valine amino acid residue is found in multiple mammalian species, which suggests that this missense change does not adversely affect protein function. This variant has not been reported in the literature in individuals affected with COQ9-related conditions. This variant is present in population databases (no rsID available, gnomAD 0.01%). This sequence change replaces isoleucine, which is neutral and non-polar, with valine, which is neutral and non-polar, at codon 250 of the COQ9 protein (p.Ile250Val).